The following is an entry in ClinVar:

ClinVar aggregate classification (germline): Uncertain significance (1 of 4 stars; one submission).

Submission:

Women's Health and Genetics/Laboratory Corporation of America, LabCorp
Classification: Uncertain significance. Last evaluated: 2024-05-16. Review status: criteria provided, single submitter. Criteria: LabCorp Variant Classification Summary - May 2015. Collection method: clinical testing. Allele origin: germline.
Comment: Variant summary: G6PC1 c.311A>T (p.Gln104Leu) results in a non-conservative amino acid change located in the Phosphatidic acid phosphatase type 2/haloperoxidase (IPR000326) of the encoded protein sequence. Five of five in-silico tools predict a damaging effect of the variant on protein function. The variant was absent in 251450 control chromosomes. The available data on variant occurrences in the general population are insufficient to allow any conclusion about variant significance. c.311A>T has been reported in the literature in one individual affected with Glycogen Storage Disease Type Ia (Zhu_2012). These data do not allow any conclusion about variant significance. To our knowledge, no experimental evidence demonstrating an impact on protein function has been reported. The following publication has been ascertained in the context of this evaluation (PMID: 23000067). No submitters have cited clinical-significance assessments for this variant to ClinVar. Based on the evidence outlined above, the variant was classified as uncertain significance.

Literature cited by the submitters: PubMed 23000067.

NM_000151.4(G6PC1):c.311A>T (p.Gln104Leu)

Gene: G6PC1 (glucose-6-phosphatase catalytic subunit 1; plus strand). Cytogenetic location: 17q21.31.
Variant type: single nucleotide variant.
Coding change: c.311A>T on transcript NM_000151.4 (MANE Select); coding-DNA position 311, A replaced by T.
Protein change: p.Gln104Leu; replaces glutamine 104 with leucine.
Molecular consequence: missense variant.
Genome position (GRCh38, 1-based): chr17:42,904,011, A>T. VCF-style: chr17-42904011-A-T. GRCh37 (hg19) VCF-style: chr17-41056028-A-T.
Other names: c.311A>T, p.Gln104Leu (NM_001270397.2); short protein forms Q104L.
Identifiers: ClinVar variation 3336550 (VCV003336550.1).